The following is an entry in ClinVar:

NM_000186.4(CFH):c.1744C>T (p.Arg582Cys)

Gene: CFH (complement factor H; plus strand). Cytogenetic location: 1q31.3.
Variant type: single nucleotide variant.
Coding change: c.1744C>T on transcript NM_000186.4 (MANE Select); coding-DNA position 1744, C replaced by T.
Protein change: p.Arg582Cys; replaces arginine 582 with cysteine.
Molecular consequence: missense variant.
Genome position (GRCh38, 1-based): chr1:196,725,168, C>T. VCF-style: chr1-196725168-C-T. GRCh37 (hg19) VCF-style: chr1-196694298-C-T.
Other names: short protein forms R582C.
Identifiers: ClinVar variation 1349410 (VCV001349410.12), dbSNP rs144696019, ClinGen allele CA1305476.

ClinVar aggregate classification (germline): Uncertain significance. Review status: criteria provided, multiple submitters, no conflicts (2 of 4 stars). 7 submissions from 4 submitters: Uncertain significance (7). Last evaluated 2026-09-17.

Conditions:
Factor H deficiency (CFHD). Also called: COMPLEMENT FACTOR H DEFICIENCY; CFH DEFICIENCY. Identifiers: Orphanet 200421, MedGen C0398777, MONDO:0012350, OMIM 609814.
Basal laminar drusen. Also called: DRUSEN OF BRUCH MEMBRANE; DRUSEN, CUTICULAR; DRUSEN, EARLY ADULT-ONSET, GROUPED. Identifiers: Orphanet 75376, MedGen C0730295, MONDO:0007472, OMIM 126700.
Hemolytic uremic syndrome, atypical, susceptibility to, 1. Also called: AHUS, SUSCEPTIBILITY TO, 1. Identifiers: Orphanet 2134, Orphanet 90038, MedGen C2749604, MONDO:0009335, OMIM 235400. Disease mechanism: Other.
Age related macular degeneration 4. Identifiers: MedGen C1853147, MONDO:0012540, OMIM 610698.

Allele frequency attached by ClinVar (database versions not stated): ExAC 0.00001; gnomAD 0.00001; gnomAD exomes 0.00001.
gnomAD v4.1: 14 of 1,613,576 alleles (0.00087%); highest among the groups gnomAD compares: East Asian, 0.0022%; no homozygotes.

Submissions (7):

Genomenon, Inc
Classification: Uncertain significance for Factor H deficiency. Last evaluated: 2026-09-17. Review status: criteria provided, single submitter. Criteria: Genomenon Sequence Variant Interpretation Standards - Updated. Collection method: curation. Allele origin: germline. Affected: yes.
Comment: CFH p.Arg582Cys (c.1744C>T) is a missense variant that changes the amino acid at codon 582 from arginine to cysteine. This variant has been observed in at least one proband affected with complement factor H deficiency (PMID: 38041748). It is absent or not present at a significant frequency in gnomAD. In silico models predict that this variant is not damaging. In conclusion, we classify CFH p.Arg582Cys (c.1744C>T) as a variant of uncertain significance.

Labcorp Genetics (formerly Invitae), Labcorp
Classification: Uncertain significance. Last evaluated: 2024-04-25. Review status: criteria provided, single submitter. Criteria: Invitae Variant Classification Sherloc (09022015). Collection method: clinical testing. Allele origin: germline.
Comment: This sequence change replaces arginine, which is basic and polar, with cysteine, which is neutral and slightly polar, at codon 582 of the CFH protein (p.Arg582Cys). This variant is present in population databases (rs144696019, gnomAD 0.004%). This variant has not been reported in the literature in individuals affected with CFH-related conditions. ClinVar contains an entry for this variant (Variation ID: 1349410). An algorithm developed to predict the effect of missense changes on protein structure and function (PolyPhen-2) suggests that this variant is likely to be tolerated. In summary, the available evidence is currently insufficient to determine the role of this variant in disease. Therefore, it has been classified as a Variant of Uncertain Significance.

Genome-Nilou Lab
Classification: Uncertain significance for Hemolytic uremic syndrome, atypical, susceptibility to, 1. Last evaluated: 2023-04-11. Review status: criteria provided, single submitter. Criteria: ACMG Guidelines, 2015. Collection method: clinical testing. Allele origin: germline. Affected: no.

Genome-Nilou Lab
Classification: Uncertain significance for Age related macular degeneration 4. Last evaluated: 2023-04-11. Review status: criteria provided, single submitter. Criteria: ACMG Guidelines, 2015. Collection method: clinical testing. Allele origin: germline. Affected: no.

Genome-Nilou Lab
Classification: Uncertain significance for Basal laminar drusen. Last evaluated: 2023-04-11. Review status: criteria provided, single submitter. Criteria: ACMG Guidelines, 2015. Collection method: clinical testing. Allele origin: germline. Affected: no.

Genome-Nilou Lab
Classification: Uncertain significance for Factor H deficiency. Last evaluated: 2023-04-11. Review status: criteria provided, single submitter. Criteria: ACMG Guidelines, 2015. Collection method: clinical testing. Allele origin: germline. Affected: no.

Fulgent Genetics
Classification: Uncertain significance for Basal laminar drusen; Hemolytic uremic syndrome, atypical, susceptibility to, 1; Factor H deficiency; Age related macular degeneration 4. Last evaluated: 2021-12-26. Review status: criteria provided, single submitter. Criteria: ACMG Guidelines, 2015. Collection method: clinical testing. Allele origin: unknown.

Literature cited by the submitters: PubMed 38041748 (cited by Genomenon, Inc).